The following is an entry in ClinVar:

NM_014915.3(ANKRD26):c.3439C>G (p.Arg1147Gly)

Gene: ANKRD26 (ankyrin repeat domain 26; minus strand). Cytogenetic location: 10p12.1.
Variant type: single nucleotide variant.
Coding change: c.3439C>G on transcript NM_014915.3 (MANE Select); coding-DNA position 3439, C replaced by G.
Protein change: p.Arg1147Gly; replaces arginine 1147 with glycine.
Molecular consequence: missense variant.
Genome position (GRCh38, 1-based): chr10:27,035,011, G>C on the plus strand (C>G on the coding strand, the complement: ANKRD26 is on the minus strand). VCF-style: chr10-27035011-G-C. GRCh37 (hg19) VCF-style: chr10-27323940-G-C.
Other names: c.3436C>G, p.Arg1146Gly (NM_001256053.2); short protein forms R1147G, R1146G.
Identifiers: ClinVar variation 5023422 (VCV005023422.1).

ClinVar aggregate classification (germline): Uncertain significance (1 of 4 stars; one submission).

Conditions:
Inborn genetic diseases. Identifiers: MedGen C0950123, MeSH D030342.

Submission:

Ambry Genetics
Classification: Uncertain significance for Inborn genetic diseases. Last evaluated: 2026-08-02. Review status: criteria provided, single submitter. Criteria: Ambry Variant Classification Scheme 2023. Collection method: clinical testing. Allele origin: germline.
Comment: The p.R1147G variant (also known as c.3439C>G), located in coding exon 24 of the ANKRD26 gene, results from a C to G substitution at nucleotide position 3439. The arginine at codon 1147 is replaced by glycine, an amino acid with dissimilar properties. This amino acid position is conserved. In addition, the in silico prediction for this alteration is inconclusive. Based on the available evidence, the clinical significance of this variant remains unclear.